The following is an entry in ClinVar:

ClinVar aggregate classification (germline): Likely pathogenic (1 of 4 stars; one submission).

Conditions:
Intellectual developmental disorder, X-linked, syndromic, Turner type. Also called: X-linked intellectual disability, Turner type; Intellectual disability, X-linked syndromic, Turner type. Identifiers: Orphanet 3056, Orphanet 85328, MedGen C2678046, MONDO:0010407, OMIM 309590.

Submission:

New York Genome Center
Classification: Likely pathogenic for Intellectual developmental disorder, X-linked, syndromic, Turner type. Last evaluated: 2019-07-31. Review status: criteria provided, single submitter. Criteria: NYGC Assertion Criteria 2020. Collection method: clinical testing. Allele origin: de novo. Affected: yes. Observed: 1 heterozygote. Study: CSER-NYCKidSeq.
Comment: The c.425G>A (p.Ser142Asn) variant identified in the HUWE1 gene substitutes a conserved Serine for Asparagine at amino acid 142/4375 (coding exon 7/84). This variant is absent from gnomAD and ExAC, suggesting it is not a common benign variant in the populations represented in these databases. In silico algorithms do not agree on the functional consequence of this variant, as it is predicted both Neutral (Provean; score: -2.39) and Damaging (SIFT; score: 0.006) to the function of the canonical transcript. This variant is absent from ClinVar and to our current knowledge has not been reported in affected individuals in the literature. It is reported here as Likely Pathogenic.

NM_031407.7(HUWE1):c.425G>A (p.Ser142Asn)

Gene: HUWE1 (HECT, UBA and WWE domain containing E3 ubiquitin protein ligase 1; minus strand). Cytogenetic location: Xp11.22.
Variant type: single nucleotide variant.
Coding change: c.425G>A on transcript NM_031407.7 (MANE Select); coding-DNA position 425, G replaced by A.
Protein change: p.Ser142Asn; replaces serine 142 with asparagine.
Molecular consequence: missense variant.
Genome position (GRCh38, 1-based): chrX:53,645,390, C>T on the plus strand (G>A on the coding strand, the complement: HUWE1 is on the minus strand). VCF-style: chrX-53645390-C-T. GRCh37 (hg19) VCF-style: chrX-53672342-C-T.
Other names: short protein forms S142N.
Identifiers: ClinVar variation 992774 (VCV000992774.2), dbSNP rs2067907694, ClinGen allele CA413163964.